The following is an entry in ClinVar:

ClinVar aggregate classification (germline): Uncertain significance (1 of 4 stars; one submission).

Submission:

GeneDx
Classification: Uncertain significance. Last evaluated: 2022-04-27. Review status: criteria provided, single submitter. Criteria: GeneDx Variant Classification Process June 2021. Collection method: clinical testing. Allele origin: germline. Affected: yes.
Comment: Not observed at significant frequency in large population cohorts (gnomAD); In silico analysis supports that this missense variant has a deleterious effect on protein structure/function; Has not been previously published as pathogenic or benign to our knowledge

NM_133433.4(NIPBL):c.4333T>C (p.Tyr1445His)

Gene: NIPBL (NIPBL cohesin loading factor; plus strand). Cytogenetic location: 5p13.2.
Variant type: single nucleotide variant.
Coding change: c.4333T>C on transcript NM_133433.4 (MANE Select); coding-DNA position 4333, T replaced by C.
Protein change: p.Tyr1445His; replaces tyrosine 1445 with histidine.
Molecular consequence: missense variant.
Genome position (GRCh38, 1-based): chr5:37,008,635, T>C. VCF-style: chr5-37008635-T-C. GRCh37 (hg19) VCF-style: chr5-37008737-T-C.
Other names: c.4333T>C, p.Tyr1445His (NM_015384.5); short protein forms Y1445H.
Identifiers: ClinVar variation 1712667 (VCV001712667.2), dbSNP rs2478173528, ClinGen allele CA359526687.